The following is an entry in ClinVar:

ClinVar aggregate classification (germline): Uncertain significance. Review status: criteria provided, multiple submitters, no conflicts (2 of 4 stars). 2 submissions from 2 submitters: Uncertain significance (2). Last evaluated 2025-10-08.

Conditions:
Inborn genetic diseases. Identifiers: MedGen C0950123, MeSH D030342.

Allele frequency attached by ClinVar (database versions not stated): gnomAD exomes below 0.00001.

Submissions (2):

Ambry Genetics
Classification: Uncertain significance for Inborn genetic diseases. Last evaluated: 2025-10-08. Review status: criteria provided, single submitter. Criteria: Ambry Variant Classification Scheme 2023. Collection method: clinical testing. Allele origin: germline.
Comment: The p.M1008T variant (also known as c.3023T>C), located in coding exon 1 of the SAMD9 gene, results from a T to C substitution at nucleotide position 3023. The methionine at codon 1008 is replaced by threonine, an amino acid with similar properties. This amino acid position is conserved. In addition, this alteration is predicted to be tolerated by in silico analysis. Based on the available evidence, the clinical significance of this variant remains unclear.

Labcorp Genetics (formerly Invitae), Labcorp
Classification: Uncertain significance. Last evaluated: 2025-07-10. Review status: criteria provided, single submitter. Criteria: Invitae Variant Classification Sherloc (09022015). Collection method: clinical testing. Allele origin: germline.
Comment: This sequence change replaces methionine, which is neutral and non-polar, with threonine, which is neutral and polar, at codon 1008 of the SAMD9 protein (p.Met1008Thr). This variant is not present in population databases (gnomAD no frequency). This variant has not been reported in the literature in individuals affected with SAMD9-related conditions. ClinVar contains an entry for this variant (Variation ID: 2189527). Invitae Evidence Modeling of protein sequence and biophysical properties (such as structural, functional, and spatial information, amino acid conservation, physicochemical variation, residue mobility, and thermodynamic stability) indicates that this missense variant is not expected to disrupt SAMD9 protein function with a negative predictive value of 95%. In summary, the available evidence is currently insufficient to determine the role of this variant in disease. Therefore, it has been classified as a Variant of Uncertain Significance.

NM_017654.4(SAMD9):c.3023T>C (p.Met1008Thr)

Gene: SAMD9 (sterile alpha motif domain containing 9; minus strand). Cytogenetic location: 7q21.2.
Variant type: single nucleotide variant.
Coding change: c.3023T>C on transcript NM_017654.4 (MANE Select); coding-DNA position 3023, T replaced by C.
Protein change: p.Met1008Thr; replaces methionine 1008 with threonine.
Molecular consequence: missense variant.
Genome position (GRCh38, 1-based): chr7:93,103,075, A>G on the plus strand (T>C on the coding strand, the complement: SAMD9 is on the minus strand). VCF-style: chr7-93103075-A-G. GRCh37 (hg19) VCF-style: chr7-92732388-A-G.
Other names: c.3023T>C (NM_017654.3); c.3023T>C, p.Met1008Thr (NM_001193307.2); short protein forms M1008T.
Identifiers: ClinVar variation 2189527 (VCV002189527.5), dbSNP rs760546785, ClinGen allele CA368189010.